The following is an entry in ClinVar:

NM_018255.4(ELP2):c.1714T>C (p.Cys572Arg)

Gene: ELP2 (elongator acetyltransferase complex subunit 2; plus strand). Cytogenetic location: 18q12.2.
Variant type: single nucleotide variant.
Coding change: c.1714T>C on transcript NM_018255.4 (MANE Select); coding-DNA position 1714, T replaced by C.
Protein change: p.Cys572Arg; replaces cysteine 572 with arginine.
Molecular consequence: missense variant. On other transcripts: non-coding transcript variant (4).
Genome position (GRCh38, 1-based): chr18:36,160,957, T>C. VCF-style: chr18-36160957-T-C. GRCh37 (hg19) VCF-style: chr18-33740920-T-C.
Other names: c.1909T>C, p.Cys637Arg (NM_001242875.3); c.1699T>C, p.Cys567Arg (NM_001242876.3); c.1636T>C, p.Cys546Arg (NM_001242877.3); c.1504T>C, p.Cys502Arg (NM_001242878.3, NM_001242879.3); c.1582T>C, p.Cys528Arg (NM_001324465.2); c.1831T>C, p.Cys611Arg (NM_001324466.2); c.1564T>C, p.Cys522Arg (NM_001324467.2); c.1267T>C, p.Cys423Arg (NM_001324468.2); short protein forms C423R, C502R, C522R, C528R, C546R, C567R, C572R, C611R.
Identifiers: ClinVar variation 3364225 (VCV003364225.1).
Genomic context (GRCh38, chr18:36,160,957, plus strand): 5'-TTGCTAATAGTACTTTTTTTCTTTTTAAATTTTAGATATGGGCACGGTTATGAAATATTT[T>C]GTGTTACTTGTAACAGTTCAAAGACTCTGCTTGCCTCAGCTTGTAAGGTAGGGAAGTTTA-3'
Protein context (NP_060725.1, residues 562-582): KLYGHGYEIF[Cys572Arg]VTCNSSKTLL

ClinVar aggregate classification (germline): Uncertain significance (1 of 4 stars; one submission).

gnomAD v4.1: 8 of 1,613,444 alleles (0.0005%); highest among the groups gnomAD compares: African/African-American, 0.011%; no homozygotes.

Submission:

GeneDx
Classification: Uncertain significance. Last evaluated: 2023-11-10. Review status: criteria provided, single submitter. Criteria: GeneDx Variant Classification Process June 2021. Collection method: clinical testing. Allele origin: germline. Affected: yes.
Comment: In silico analysis supports that this missense variant has a deleterious effect on protein structure/function; Has not been previously published as pathogenic or benign to our knowledge